The following is an entry in ClinVar:

ClinVar aggregate classification (germline): Uncertain significance. Review status: criteria provided, multiple submitters, no conflicts (2 of 4 stars). 4 submissions from 4 submitters: Uncertain significance (4). Last evaluated 2024-10-15.

Conditions:
Hereditary cancer-predisposing syndrome. Also called: Tumor predisposition; Neoplastic Syndromes, Hereditary; Hereditary Cancer Syndrome; Hereditary neoplastic syndrome. Identifiers: Orphanet 140162, MedGen C0027672, MeSH D009386, MONDO:0015356.
Cardiovascular phenotype. Identifiers: MedGen CN230736.
Juvenile myelomonocytic leukemia (JMML). Also called: LEUKEMIA, JUVENILE MYELOMONOCYTIC, SOMATIC. Identifiers: Orphanet 86834, MedGen C0349639, MONDO:0011908, OMIM 607785, HP:0012209.
Neurofibromatosis, type 1 (NF1). Also called: Neurofibromatosis, type I; NEUROFIBROMATOSIS, TYPE I, SOMATIC; Peripheral type neurofibromatosis; VON RECKLINGHAUSEN DISEASE. Identifiers: Orphanet 636, MedGen C0027831, MONDO:0018975, OMIM 162200. Disease mechanism: loss of function.

Allele frequency attached by ClinVar (database versions not stated): gnomAD exomes below 0.00001; TOPMed below 0.00001.
gnomAD v4.1: 1 of 1,611,692 alleles (0.000062%); highest among the groups gnomAD compares: Non-Finnish European, 0.000085%; no homozygotes.

Submissions (4):

Labcorp Genetics (formerly Invitae), Labcorp
Classification: Uncertain significance for Neurofibromatosis, type 1. Last evaluated: 2024-10-15. Review status: criteria provided, single submitter. Criteria: Invitae Variant Classification Sherloc (09022015). Collection method: clinical testing. Allele origin: germline.
Comment: This sequence change replaces aspartic acid, which is acidic and polar, with glycine, which is neutral and non-polar, at codon 832 of the NF1 protein (p.Asp832Gly). This variant is not present in population databases (gnomAD no frequency). This variant has not been reported in the literature in individuals affected with NF1-related conditions. ClinVar contains an entry for this variant (Variation ID: 404472). Invitae Evidence Modeling of protein sequence and biophysical properties (such as structural, functional, and spatial information, amino acid conservation, physicochemical variation, residue mobility, and thermodynamic stability) indicates that this missense variant is not expected to disrupt NF1 protein function with a negative predictive value of 95%. In summary, the available evidence is currently insufficient to determine the role of this variant in disease. Therefore, it has been classified as a Variant of Uncertain Significance.

Ambry Genetics
Classification: Uncertain significance for Cardiovascular phenotype; Hereditary cancer-predisposing syndrome. Last evaluated: 2023-12-19. Review status: criteria provided, single submitter. Criteria: Ambry Variant Classification Scheme 2023. Collection method: clinical testing. Allele origin: germline.
Comment: The p.D832G variant (also known as c.2495A>G), located in coding exon 21 of the NF1 gene, results from an A to G substitution at nucleotide position 2495. The aspartic acid at codon 832 is replaced by glycine, an amino acid with similar properties. This amino acid position is highly conserved in available vertebrate species. In addition, the in silico prediction for this alteration is inconclusive. Since supporting evidence is limited at this time, the clinical significance of this alteration remains unclear.

Genome-Nilou Lab
Classification: Uncertain significance for Neurofibromatosis, type 1. Last evaluated: 2022-03-15. Review status: criteria provided, single submitter. Criteria: ACMG Guidelines, 2015. Collection method: clinical testing. Allele origin: germline. Affected: no.

Baylor Genetics
Classification: Uncertain significance for Juvenile myelomonocytic leukemia. Last evaluated: 2020-02-11. Review status: criteria provided, single submitter. Criteria: ACMG Guidelines, 2015. Collection method: clinical testing. Allele origin: unknown. Affected: yes. Study: CSER-TexasKidsCanSeq.
Comment: This variant was determined to be of uncertain significance according to ACMG Guidelines, 2015 [PMID:25741868].

NM_001042492.3(NF1):c.2495A>G (p.Asp832Gly)

Gene: NF1 (neurofibromin 1; plus strand). Cytogenetic location: 17q11.2.
Variant type: single nucleotide variant.
Coding change: c.2495A>G on transcript NM_001042492.3 (MANE Select); coding-DNA position 2495, A replaced by G.
Protein change: p.Asp832Gly; replaces aspartic acid 832 with glycine.
Molecular consequence: missense variant.
Genome position (GRCh38, 1-based): chr17:31,229,110, A>G. VCF-style: chr17-31229110-A-G. GRCh37 (hg19) VCF-style: chr17-29556128-A-G.
Other names: c.2495A>G, p.Asp832Gly (NM_000267.4); short protein forms D832G.
Identifiers: ClinVar variation 404472 (VCV000404472.16), dbSNP rs1060500283, ClinGen allele CA16615179.